The following is an entry in ClinVar:

NM_002458.3(MUC5B):c.16861G>T (p.Glu5621Ter)

Gene: MUC5B (mucin 5B, oligomeric mucus/gel-forming; plus strand). Cytogenetic location: 11p15.5.
Variant type: single nucleotide variant.
Coding change: c.16861G>T on transcript NM_002458.3 (MANE Select); coding-DNA position 16861, G replaced by T.
Protein change: p.Glu5621Ter; replaces glutamic acid 5621 with a stop codon.
Molecular consequence: nonsense.
Genome position (GRCh38, 1-based): chr11:1,260,023, G>T. VCF-style: chr11-1260023-G-T. GRCh37 (hg19) VCF-style: chr11-1281253-G-T.
Other names: short protein forms E5621*.
Identifiers: ClinVar variation 3384136 (VCV003384136.2).

ClinVar aggregate classification (germline): Conflicting classifications of pathogenicity. Review status: criteria provided, conflicting classifications (1 of 4 stars). 2 submissions from 2 submitters: Likely pathogenic (1); Uncertain significance (1). Last evaluated 2024-10-04.

Conditions:
Interstitial lung disease 2 (ILD2). Also called: FIBROCYSTIC PULMONARY DYSPLASIA; FIBROSING ALVEOLITIS, CRYPTOGENIC; Familial idiopathic pulmonary fibrosis. Identifiers: Orphanet 2032, Orphanet 79126, MedGen C5561926, MONDO:0800497, OMIM 178500, MONDO:0800029.
Pulmonary fibrosis. Identifiers: MedGen C0034069, MONDO:0002771, HP:0002206.

Submissions (2):

Dubai Health Genomic Medicine Center, Dubai Health
Classification: Likely pathogenic for Pulmonary fibrosis. Last evaluated: 2024-10-04. Review status: criteria provided, single submitter. Criteria: ACMG Guidelines, 2015. Collection method: research. Allele origin: germline. Affected: yes.
Comment: PVS1,PM2,PP1

Fulgent Genetics
Classification: Uncertain significance for Interstitial lung disease 2. Last evaluated: 2023-12-31. Review status: criteria provided, single submitter. Criteria: ACMG Guidelines, 2015. Collection method: clinical testing. Allele origin: germline.